The following is an entry in ClinVar:

NM_000138.5(FBN1):c.2140G>C (p.Gly714Arg)

Gene: FBN1 (fibrillin 1; minus strand). Cytogenetic location: 15q21.1.
Variant type: single nucleotide variant.
Coding change: c.2140G>C on transcript NM_000138.5 (MANE Select); coding-DNA position 2140, G replaced by C.
Protein change: p.Gly714Arg; replaces glycine 714 with arginine.
Molecular consequence: missense variant.
Genome position (GRCh38, 1-based): chr15:48,499,012, C>G on the plus strand (G>C on the coding strand, the complement: FBN1 is on the minus strand). VCF-style: chr15-48499012-C-G. GRCh37 (hg19) VCF-style: chr15-48791209-C-G.
Other names: short protein forms G714R.
Identifiers: ClinVar variation 572871 (VCV000572871.1), dbSNP rs1566912644, ClinGen allele CA392336257.
Genomic context (GRCh38, chr15:48,499,012, plus strand): 5'-CTGAAGGTAGTAAATTTTGAAAGGAATCCTTACCACTGCCTGCTGACGTCATTCCTGGCC[C>G]ACTGCTGCAGAGTGCCTGATATTCCGCTGCAATAAATTAACAGATAGTAAATGATTCCCT-3'
Protein context (NP_000129.3, residues 704-724): SAEYQALCSS[Gly714Arg]PGMTSAGSDI

ClinVar aggregate classification (germline): Uncertain significance (1 of 4 stars; one submission).

Conditions:
Familial thoracic aortic aneurysm and aortic dissection (TAAD). Also called: Thoracic aortic aneurysms and dissections. Identifiers: Orphanet 91387, MedGen C4707243, MONDO:0019625.
Marfan syndrome (MFS). Also called: FBN1-Related Marfan Syndrome; Marfan syndrome type 1; Marfan's syndrome; Marfan syndrome, classic; MARFAN SYNDROME, TYPE I. Identifiers: Orphanet 284963, Orphanet 558, MedGen C0024796, MONDO:0007947, OMIM 154700.

Submission:

Labcorp Genetics (formerly Invitae), Labcorp
Classification: Uncertain significance for Marfan syndrome; Thoracic aortic aneurysm and aortic dissection. Last evaluated: 2018-06-01. Review status: criteria provided, single submitter. Criteria: Invitae Variant Classification Sherloc (09022015). Collection method: clinical testing. Allele origin: germline.
Comment: This sequence change replaces glycine with arginine at codon 714 of the FBN1 protein (p.Gly714Arg). The glycine residue is highly conserved and there is a moderate physicochemical difference between glycine and arginine. This variant is not present in population databases (ExAC no frequency). This variant has not been reported in the literature in individuals with FBN1-related disease. Algorithms developed to predict the effect of missense changes on protein structure and function (SIFT, PolyPhen-2, Align-GVGD) all suggest that this variant is likely to be disruptive, but these predictions have not been confirmed by published functional studies and their clinical significance is uncertain. In summary, the available evidence is currently insufficient to determine the role of this variant in disease. Therefore, it has been classified as a Variant of Uncertain Significance.